The following is an entry in ClinVar:

NM_000179.3(MSH6):c.599_600del (p.Pro199_Ser200insTer)

Gene: MSH6 (mutS homolog 6; plus strand). Cytogenetic location: 2p16.3.
Variant type: Deletion.
Coding change: c.599_600del on transcript NM_000179.3 (MANE Select); coding-DNA positions 599 to 600, 2 bases deleted (CA; older notation c.599_600delCA).
Protein change: p.Pro199_Ser200insTer.
Molecular consequence: nonsense. On other transcripts: 5 prime UTR variant (1), frameshift variant (29), intron variant (2).
Genome position (GRCh38, 1-based): chr2:47,796,035-47,796,036, CA deleted. VCF-style (leftmost placement, unchanged base first): chr2-47796034-TCA-T. GRCh37 (hg19) VCF-style: chr2-48023173-TCA-T.
Other names: c.-304_-303del (NM_001281494.2); c.695_696delCA, p.Ser232Terfs (NM_001406795.1, NM_001406802.1); c.599_600delCA, p.Ser200Terfs (NM_001406796.1, NM_001406798.1, NM_001406800.1 and 5 more transcripts); c.302_303delCA, p.Ser101Terfs (NM_001406797.1, NM_001406801.1, NM_001406805.1 and 10 more transcripts); c.74_75delCA, p.Ser25Terfs (NM_001406799.1, NM_001406806.1, NM_001406807.1); c.521_522delCA, p.Ser174Terfs (NM_001406804.1); c.605_606delCA, p.Ser202Terfs (NM_001406813.1); c.-396_-395delCA (NM_001406814.1); and 3 more.
Identifiers: ClinVar variation 1750904 (VCV001750904.2), dbSNP rs2530523339, ClinGen allele CA2580066823.

ClinVar aggregate classification (germline): Pathogenic (1 of 4 stars; one submission).

Conditions:
Hereditary cancer-predisposing syndrome. Also called: Hereditary Cancer Syndrome; Hereditary neoplastic syndrome; Neoplastic Syndromes, Hereditary; Tumor predisposition. Identifiers: Orphanet 140162, MedGen C0027672, MeSH D009386, MONDO:0015356.

Submission:

Ambry Genetics
Classification: Pathogenic for Hereditary cancer-predisposing syndrome. Last evaluated: 2019-12-26. Review status: criteria provided, single submitter. Criteria: Ambry Variant Classification Scheme 2023. Collection method: clinical testing. Allele origin: germline.
Comment: The c.599_600delCA variant, located in coding exon 3 of the MSH6 gene, results from a deletion of two nucleotides at nucleotide positions 599 to 600, causing a translational frameshift with a predicted alternate stop codon (p.S200*). This alteration is expected to result in loss of function by premature protein truncation or nonsense-mediated mRNA decay. As such, this alteration is interpreted as a disease-causing mutation.